The following is an entry in ClinVar:

NM_006904.7(PRKDC):c.1409C>G (p.Ala470Gly)

Gene: PRKDC (protein kinase, DNA-activated, catalytic subunit; minus strand). Cytogenetic location: 8q11.21.
Variant type: single nucleotide variant.
Coding change: c.1409C>G on transcript NM_006904.7 (MANE Select); coding-DNA position 1409, C replaced by G.
Protein change: p.Ala470Gly; replaces alanine 470 with glycine.
Molecular consequence: missense variant.
Genome position (GRCh38, 1-based): chr8:47,935,770, G>C on the plus strand (C>G on the coding strand, the complement: PRKDC is on the minus strand). VCF-style: chr8-47935770-G-C. GRCh37 (hg19) VCF-style: chr8-48848330-G-C.
Other names: c.1409C>G, p.Ala470Gly (NM_001081640.2); short protein forms A470G.
Identifiers: ClinVar variation 3310119 (VCV003310119.1).
Genomic context (GRCh38, chr8:47,935,770, plus strand): 5'-ATACAATAAATTGCAAACTTACCCACAGTACTAATGCAATTCCTGAGAACTGGCCCTTTT[G>C]CTGCCAAAGCTAGGAACACCTTCACTATGGCTCTGCAACACACCAGCTGCATTTTTGGAC-3'
Protein context (NP_008835.5, residues 460-480): AIVKVFLALA[Ala470Gly]KGPVLRNCIS

ClinVar aggregate classification (germline): Uncertain significance (1 of 4 stars; one submission).

Submission:

Ambry Genetics
Classification: Uncertain significance. Last evaluated: 2024-04-17. Review status: criteria provided, single submitter. Criteria: Ambry Variant Classification Scheme 2023. Collection method: clinical testing. Allele origin: germline.
Comment: The p.A470G variant (also known as c.1409C>G), located in coding exon 13 of the PRKDC gene, results from a C to G substitution at nucleotide position 1409. The alanine at codon 470 is replaced by glycine, an amino acid with similar properties. This amino acid position is conserved. In addition, this alteration is predicted to be tolerated by in silico analysis. Based on the available evidence, the clinical significance of this variant remains unclear.